The following is an entry in ClinVar:

NM_000939.4(POMC):c.34del (p.Leu12fs)

Gene: POMC (proopiomelanocortin; minus strand). Cytogenetic location: 2p23.3.
Variant type: Deletion.
Coding change: c.34del on transcript NM_000939.4 (MANE Select); coding-DNA position 34, one base deleted (C; older notation c.34delC).
Protein change: p.Leu12fs; shifts the reading frame from leucine 12.
Molecular consequence: frameshift variant.
Genome position (GRCh38, 1-based): chr2:25,164,739, G deleted on the plus strand (C on the coding strand, the reverse complement: POMC is on the minus strand); the first of 3 consecutive G bases (chr2:25,164,739-25,164,741); deleting any one gives the same sequence. VCF-style (leftmost placement, unchanged base first): chr2-25164738-AG-A. GRCh37 (hg19) VCF-style: chr2-25387607-AG-A.
Other names: c.34del, p.Leu12fs (NM_001035256.3, NM_001319204.2, NM_001319205.2); short protein forms L12fs.
Identifiers: ClinVar variation 1338533 (VCV001338533.4), dbSNP rs1671498215, ClinGen allele CA1239231784.

ClinVar aggregate classification (germline): Pathogenic (1 of 4 stars; one submission).

Submission:

Genetic Services Laboratory, University of Chicago
Classification: Pathogenic. Last evaluated: 2019-08-16. Review status: criteria provided, single submitter. Criteria: ACMG Guidelines, 2015. Collection method: clinical testing. Allele origin: germline. Affected: yes.
Comment: DNA sequence analysis of the POMC gene demonstrated two sequence changes in exon 3. The first is a 25bp insertion, c.20_21ins25, that results in an amino acid frameshift and creates a premature stop codon 119 amino acids downstream of the mutation, p.Ser7Argfs*120. The second sequence change is a single base pair deletion, c.34del, that also results in an amino acid frameshift and creates a premature stop codon 58 amino acids downstream of the mutation, p.Leu12Cys*59. These pathogenic sequence changes are predicted to result in an abnormal transcript, which may be degraded, or may lead to the production of a truncated POMC protein with potentially abnormal function. Both next-generation sequencing and Sanger confirmation analysis confirmed that these sequence changes are in trans configuration.